The following is an entry in ClinVar:

NM_001040108.2(MLH3):c.90C>G (p.Ala30=)

Gene: MLH3 (mutL homolog 3; minus strand). Cytogenetic location: 14q24.3.
Variant type: single nucleotide variant.
Coding change: c.90C>G on transcript NM_001040108.2 (MANE Select); coding-DNA position 90, C replaced by G.
Protein change: p.Ala30=; no amino-acid change (alanine 30 retained).
Molecular consequence: synonymous variant.
Genome position (GRCh38, 1-based): chr14:75,049,566, G>C on the plus strand (C>G on the coding strand, the complement: MLH3 is on the minus strand). VCF-style: chr14-75049566-G-C. GRCh37 (hg19) VCF-style: chr14-75516269-G-C.
Other names: c.90C>G, p.Ala30= (NM_014381.3).
Identifiers: ClinVar variation 2497063 (VCV002497063.3), dbSNP rs2503337736, ClinGen allele CA487274457.

ClinVar aggregate classification (germline): Benign/Likely benign. Review status: criteria provided, multiple submitters, no conflicts (2 of 4 stars). 2 submissions from 2 submitters: Benign (1); Likely benign (1). Last evaluated 2026-04-28.

Conditions:
Colorectal cancer, hereditary nonpolyposis, type 7. Identifiers: Orphanet 144, MedGen C1858380, MONDO:0013725, OMIM 614385.

Submissions (2):

Myriad Genetics, Inc.
Classification: Benign for Colorectal cancer, hereditary nonpolyposis, type 7. Last evaluated: 2026-04-28. Review status: criteria provided, single submitter. Criteria: Myriad Autosomal Dominant, Autosomal Recessive and X-Linked Classification Criteria (2023). Collection method: clinical testing. Allele origin: unknown.
Comment: This variant is considered benign. This variant is a silent/synonymous amino acid change and it is not expected to impact splicing.

Ambry Genetics
Classification: Likely benign. Last evaluated: 2022-11-26. Review status: criteria provided, single submitter. Criteria: Ambry Variant Classification Scheme 2023. Collection method: clinical testing. Allele origin: germline.